The following is an entry in ClinVar:

ClinVar aggregate classification (germline): Uncertain significance (1 of 4 stars; one submission).

Allele frequency attached by ClinVar (database versions not stated): TOPMed 0.00002; ExAC 0.00003; gnomAD exomes 0.00003; gnomAD 0.00004.
gnomAD v4.1: 51 of 1,614,030 alleles (0.0032%); highest among the groups gnomAD compares: Non-Finnish European, 0.0041%; no homozygotes.

Submission:

Labcorp Genetics (formerly Invitae), Labcorp
Classification: Uncertain significance. Last evaluated: 2025-12-01. Review status: criteria provided, single submitter. Criteria: Invitae Variant Classification Sherloc (09022015). Collection method: clinical testing. Allele origin: germline.
Comment: This sequence change replaces methionine, which is neutral and non-polar, with isoleucine, which is neutral and non-polar, at codon 533 of the TET2 protein (p.Met533Ile). This variant is present in population databases (rs767778868, gnomAD 0.008%). This variant has not been reported in the literature in individuals affected with TET2-related conditions. ClinVar contains an entry for this variant (Variation ID: 1907134). An algorithm developed to predict the effect of missense changes on protein structure and function outputs the following: PolyPhen-2: "Benign". The isoleucine amino acid residue is found in multiple mammalian species, which suggests that this missense change does not adversely affect protein function. In summary, the available evidence is currently insufficient to determine the role of this variant in disease. Therefore, it has been classified as a Variant of Uncertain Significance.

NM_001127208.3(TET2):c.1599G>A (p.Met533Ile)

Genes: TET2 (tet methylcytosine dioxygenase 2; plus strand), TET2-AS1 (TET2 antisense RNA 1; minus strand). Cytogenetic location: 4q24.
Variant type: single nucleotide variant.
Coding change: c.1599G>A on transcript NM_001127208.3 (MANE Select); coding-DNA position 1599, G replaced by A.
Protein change: p.Met533Ile; replaces methionine 533 with isoleucine.
Molecular consequence: missense variant.
Genome position (GRCh38, 1-based): chr4:105,235,541, G>A. VCF-style: chr4-105235541-G-A. GRCh37 (hg19) VCF-style: chr4-106156698-G-A.
Other names: c.1599G>A, p.Met533Ile (NM_017628.4); short protein forms M533I.
Identifiers: ClinVar variation 1907134 (VCV001907134.4), dbSNP rs767778868, ClinGen allele CA3031716.